The following is an entry in ClinVar:

ClinVar aggregate classification (germline): Benign/Likely benign. Review status: criteria provided, multiple submitters, no conflicts (2 of 4 stars). 2 submissions from 2 submitters: Benign (1); Likely benign (1). Last evaluated 2024-10-28.

Conditions:
Prostate cancer, hereditary, 9 (HPC9). Identifiers: Orphanet 1331, MedGen C1970250, MONDO:0012597, OMIM 610997.
Hereditary cancer-predisposing syndrome. Also called: Neoplastic Syndromes, Hereditary; Tumor predisposition; Hereditary Cancer Syndrome; Hereditary neoplastic syndrome. Identifiers: Orphanet 140162, MedGen C0027672, MeSH D009386, MONDO:0015356.

Allele frequency attached by ClinVar (database versions not stated): gnomAD exomes below 0.00001; TOPMed below 0.00001; gnomAD 0.00001.
gnomAD v4.1: 2 of 1,612,232 alleles (0.00012%); highest among the groups gnomAD compares: Non-Finnish European, 0.00017%; no homozygotes.

Submissions (2):

Myriad Genetics, Inc.
Classification: Benign for Prostate cancer, hereditary, 9. Last evaluated: 2024-10-28. Review status: criteria provided, single submitter. Criteria: Myriad Autosomal Dominant, Autosomal Recessive and X-Linked Classification Criteria (2023). Collection method: clinical testing. Allele origin: unknown.
Comment: This variant is considered benign. This variant is a silent/synonymous amino acid change and it is not expected to impact splicing.

Ambry Genetics
Classification: Likely benign for Hereditary cancer-predisposing syndrome. Last evaluated: 2020-06-04. Review status: criteria provided, single submitter. Criteria: Ambry Variant Classification Scheme 2023. Collection method: clinical testing. Allele origin: germline.

NM_006361.6(HOXB13):c.18T>C (p.Tyr6=)

Gene: HOXB13 (homeobox B13; minus strand). Cytogenetic location: 17q21.32.
Variant type: single nucleotide variant.
Coding change: c.18T>C on transcript NM_006361.6 (MANE Select); coding-DNA position 18, T replaced by C.
Protein change: p.Tyr6=; no amino-acid change (tyrosine 6 retained).
Molecular consequence: synonymous variant.
Genome position (GRCh38, 1-based): chr17:48,728,576, A>G on the plus strand (T>C on the coding strand, the complement: HOXB13 is on the minus strand). VCF-style: chr17-48728576-A-G. GRCh37 (hg19) VCF-style: chr17-46805938-A-G.
Identifiers: ClinVar variation 1782291 (VCV001782291.3), dbSNP rs1337454597, ClinGen allele CA500503400.